The following is an entry in ClinVar:

NM_005055.5(RAPSN):c.380T>C (p.Leu127Pro)

Gene: RAPSN (receptor associated protein of the synapse; minus strand). Cytogenetic location: 11p11.2.
Variant type: single nucleotide variant.
Coding change: c.380T>C on transcript NM_005055.5 (MANE Select); coding-DNA position 380, T replaced by C.
Protein change: p.Leu127Pro; replaces leucine 127 with proline.
Molecular consequence: missense variant.
Genome position (GRCh38, 1-based): chr11:47,447,963, A>G on the plus strand (T>C on the coding strand, the complement: RAPSN is on the minus strand). VCF-style: chr11-47447963-A-G. GRCh37 (hg19) VCF-style: chr11-47469515-A-G.
Other names: c.380T>C, p.Leu127Pro (NM_032645.5); short protein forms L127P.
Identifiers: ClinVar variation 1437372 (VCV001437372.8), dbSNP rs2153311254, ClinGen allele CA380334146.

ClinVar aggregate classification (germline): Uncertain significance (1 of 4 stars; one submission).

Conditions:
Fetal akinesia deformation sequence 1 (FADS1). Also called: Pena-Shokeir syndrome type I; Fetal akinesia sequence. Identifiers: Orphanet 994, MedGen C1276035, MONDO:0100101, OMIM 208150, HP:0001989.
Congenital myasthenic syndrome 11. Also called: MYASTHENIC SYNDROME, CONGENITAL, Ie; Myasthenic syndrome, congenital, 11, associated with acetylcholine receptor deficiency. Identifiers: Orphanet 590, MedGen C4225367, MONDO:0014588, OMIM 616326.

Submission:

Labcorp Genetics (formerly Invitae), Labcorp
Classification: Uncertain significance for Congenital myasthenic syndrome 11; Fetal akinesia deformation sequence 1. Last evaluated: 2021-01-21. Review status: criteria provided, single submitter. Criteria: Invitae Variant Classification Sherloc (09022015). Collection method: clinical testing. Allele origin: germline.
Comment: This variant is not present in population databases (ExAC no frequency). This variant has not been reported in the literature in individuals with RAPSN-related conditions. Algorithms developed to predict the effect of missense changes on protein structure and function are either unavailable or do not agree on the potential impact of this missense change (SIFT: "Deleterious"; PolyPhen-2: "Probably Damaging"; Align-GVGD: "Class C0"). In summary, the available evidence is currently insufficient to determine the role of this variant in disease. Therefore, it has been classified as a Variant of Uncertain Significance. This sequence change replaces leucine with proline at codon 127 of the RAPSN protein (p.Leu127Pro). The leucine residue is highly conserved and there is a moderate physicochemical difference between leucine and proline.